The following is an entry in ClinVar:

ClinVar aggregate classification (germline): Pathogenic (1 of 4 stars; one submission).

Submission:

Labcorp Genetics (formerly Invitae), Labcorp
Classification: Pathogenic. Last evaluated: 2020-01-30. Review status: criteria provided, single submitter. Criteria: Invitae Variant Classification Sherloc (09022015). Collection method: clinical testing. Allele origin: germline.
Comment: For these reasons, this variant has been classified as Pathogenic. Loss-of-function variants in PHEX are known to be pathogenic (PMID: 9097956, 9106524, 19219621). Algorithms developed to predict the effect of sequence changes on RNA splicing suggest that this variant may create or strengthen a splice site, but this prediction has not been confirmed by published transcriptional studies. This nonsense change has been observed in individual(s) with hypophosphatemic rickets (PMID: 21902834, 9768674). This variant is not present in population databases (ExAC no frequency). This sequence change creates a premature translational stop signal (p.Tyr250*) in the PHEX gene. It is expected to result in an absent or disrupted protein product.

Literature cited by the submitters: PubMed 9097956; PubMed 9106524; PubMed 19219621; PubMed 21902834; PubMed 9768674.

NM_000444.6(PHEX):c.750C>G (p.Tyr250Ter)

Gene: PHEX (phosphate regulating endopeptidase X-linked; plus strand). Cytogenetic location: Xp22.11.
Variant type: single nucleotide variant.
Coding change: c.750C>G on transcript NM_000444.6 (MANE Select); coding-DNA position 750, C replaced by G.
Protein change: p.Tyr250Ter; replaces tyrosine 250 with a stop codon.
Molecular consequence: nonsense.
Genome position (GRCh38, 1-based): chrX:22,094,000, C>G. VCF-style: chrX-22094000-C-G. GRCh37 (hg19) VCF-style: chrX-22112118-C-G.
Other names: c.750C>G, p.Tyr250Ter (NM_001282754.2); short protein forms Y250*.
Identifiers: ClinVar variation 1074989 (VCV001074989.9), dbSNP rs1322662992, ClinGen allele CA412572290.